The following is an entry in ClinVar:

NM_002691.4(POLD1):c.2766_2772dup (p.Val925fs)

Gene: POLD1 (DNA polymerase delta 1, catalytic subunit; plus strand). Cytogenetic location: 19q13.33.
Variant type: Duplication.
Coding change: c.2766_2772dup on transcript NM_002691.4 (MANE Select); coding-DNA positions 2766 to 2772, 7 bases duplicated (CCCCTAC; older notation c.2766_2772dupCCCCTAC).
Protein change: p.Val925fs; shifts the reading frame from valine 925.
Molecular consequence: frameshift variant.
Genome position (GRCh38, 1-based): chr19:50,415,772-50,415,778, CCCCTAC duplicated. VCF-style (leftmost placement, unchanged base first): chr19-50415771-T-TCCCCTAC. GRCh37 (hg19) VCF-style: chr19-50919028-T-TCCCCTAC.
Other names: c.2766_2772dup, p.Val925fs (NM_001256849.1); c.2844_2850dup, p.Val951fs (NM_001308632.1); short protein forms V925fs, V951fs.
Identifiers: ClinVar variation 3781376 (VCV003781376.1).
Genomic context (GRCh38, chr19:50,415,771, plus strand): 5'-CATCTCCACGCAGGATGAGGAAGCGGGACCCCGGGAGTGCGCCCAGCCTGGGCGACCGCG[T>TCCCCTAC]CCCCTACGTGATCATCAGTGCCGCCAAGGGTGTGGCCGCCTACATGAAGTCGGAGGTCAG-3'

ClinVar aggregate classification (germline): Uncertain significance (1 of 4 stars; one submission).

Conditions:
Hereditary cancer-predisposing syndrome. Also called: Neoplastic Syndromes, Hereditary; Hereditary Cancer Syndrome; Tumor predisposition; Hereditary neoplastic syndrome. Identifiers: Orphanet 140162, MedGen C0027672, MeSH D009386, MONDO:0015356.

Submission:

Ambry Genetics
Classification: Uncertain significance for Hereditary cancer-predisposing syndrome. Last evaluated: 2025-01-19. Review status: criteria provided, single submitter. Criteria: Ambry Variant Classification Scheme 2023. Collection method: clinical testing. Allele origin: germline.
Comment: The c.2766_2772dupCCCCTAC variant, located in coding exon 21 of the POLD1 gene, results from a duplication of CCCCTAC at nucleotide position 2766, causing a translational frameshift with a predicted alternate stop codon (p.V925Pfs*31). This alteration is expected to result in protein truncation or nonsense-mediated mRNA decay. However, loss of function of POLD1 has not been established as a mechanism of disease. Based on the available evidence, the clinical significance of this alteration remains unclear.